The following is an entry in ClinVar:

ClinVar aggregate classification (germline): Uncertain significance. Review status: criteria provided, multiple submitters, no conflicts (2 of 4 stars). 2 submissions from 2 submitters: Uncertain significance (2). Last evaluated 2025-02-18.

Conditions:
Cystic fibrosis (CF). Also called: MUCOVISCIDOSIS. Identifiers: Orphanet 586, MedGen C0010674, MONDO:0009061, OMIM 219700. Disease mechanism: loss of function.

Allele frequency attached by ClinVar (database versions not stated): gnomAD exomes below 0.00001.
gnomAD v4.1: 1 of 1,612,470 alleles (0.000062%); highest among the groups gnomAD compares: Non-Finnish European, 0.000085%; no homozygotes.

Submissions (2):

Ambry Genetics
Classification: Uncertain significance for Cystic fibrosis. Last evaluated: 2025-02-18. Review status: criteria provided, single submitter. Criteria: Ambry Variant Classification Scheme 2023. Collection method: clinical testing. Allele origin: germline.
Comment: The p.I752L variant (also known as c.2254A>C), located in coding exon 14 of the CFTR gene, results from an A to C substitution at nucleotide position 2254. The isoleucine at codon 752 is replaced by leucine, an amino acid with highly similar properties. This amino acid position is poorly conserved in available vertebrate species. In addition, the in silico prediction for this alteration is inconclusive. Based on the available evidence, the clinical significance of this variant remains unclear.

Labcorp Genetics (formerly Invitae), Labcorp
Classification: Uncertain significance for Cystic fibrosis. Last evaluated: 2024-06-11. Review status: criteria provided, single submitter. Criteria: Invitae Variant Classification Sherloc (09022015). Collection method: clinical testing. Allele origin: germline.
Comment: This sequence change replaces isoleucine, which is neutral and non-polar, with leucine, which is neutral and non-polar, at codon 752 of the CFTR protein (p.Ile752Leu). This variant is not present in population databases (gnomAD no frequency). This variant has not been reported in the literature in individuals affected with CFTR-related conditions. ClinVar contains an entry for this variant (Variation ID: 1788485). Advanced modeling of protein sequence and biophysical properties (such as structural, functional, and spatial information, amino acid conservation, physicochemical variation, residue mobility, and thermodynamic stability) performed at Invitae indicates that this missense variant is not expected to disrupt CFTR protein function with a negative predictive value of 80%. In summary, the available evidence is currently insufficient to determine the role of this variant in disease. Therefore, it has been classified as a Variant of Uncertain Significance.

NM_000492.4(CFTR):c.2254A>C (p.Ile752Leu)

Gene: CFTR (CF transmembrane conductance regulator; plus strand). Cytogenetic location: 7q31.2.
Variant type: single nucleotide variant.
Coding change: c.2254A>C on transcript NM_000492.4 (MANE Select); coding-DNA position 2254, A replaced by C.
Protein change: p.Ile752Leu; replaces isoleucine 752 with leucine.
Molecular consequence: missense variant.
Genome position (GRCh38, 1-based): chr7:117,592,421, A>C. VCF-style: chr7-117592421-A-C. GRCh37 (hg19) VCF-style: chr7-117232475-A-C.
Other names: short protein forms I752L.
Identifiers: ClinVar variation 1788485 (VCV001788485.5), dbSNP rs2485110373, ClinGen allele CA368980659.
Genomic context (GRCh38, chr7:117,592,421, plus strand): 5'-TTAGAGAGAAGGCTGTCCTTAGTACCAGATTCTGAGCAGGGAGAGGCGATACTGCCTCGC[A>C]TCAGCGTGATCAGCACTGGCCCCACGCTTCAGGCACGAAGGAGGCAGTCTGTCCTGAACC-3'
Protein context (NP_000483.3, residues 742-762): SEQGEAILPR[Ile752Leu]SVISTGPTLQ